The following is an entry in ClinVar:

ClinVar aggregate classification (germline): Pathogenic (1 of 4 stars; one submission).

Conditions:
Hereditary breast ovarian cancer syndrome. Also called: Hereditary breast and ovarian cancer syndrome (HBOC); Hereditary breast and/or ovarian cancer syndrome; Hereditary breast and ovarian cancer; BRCA1- and BRCA2-Associated Hereditary Breast and Ovarian Cancer; Hereditary breast and ovarian cancer syndrome; Breast and ovarian cancer. Identifiers: Orphanet 145, MedGen C0677776, MeSH D061325, MONDO:0003582. Disease mechanism: loss of function.

Submission:

Labcorp Genetics (formerly Invitae), Labcorp
Classification: Pathogenic for Hereditary breast ovarian cancer syndrome. Last evaluated: 2020-10-10. Review status: criteria provided, single submitter. Criteria: Invitae Variant Classification Sherloc (09022015). Collection method: clinical testing. Allele origin: germline.
Comment: For these reasons, this variant has been classified as Pathogenic. Loss-of-function variants in BRCA2 are known to be pathogenic (PMID: 20104584). This variant has not been reported in the literature in individuals with BRCA2-related conditions. This variant is not present in population databases (ExAC no frequency). This sequence change creates a premature translational stop signal (p.Lys2577Asnfs*5) in the BRCA2 gene. It is expected to result in an absent or disrupted protein product.

Literature cited by the submitters: PubMed 20104584.

NM_000059.4(BRCA2):c.7728_7732del (p.Lys2577fs)

Gene: BRCA2 (BRCA2 DNA repair associated; plus strand). Cytogenetic location: 13q13.1.
Variant type: Deletion.
Coding change: c.7728_7732del on transcript NM_000059.4 (MANE Select); coding-DNA positions 7728 to 7732, 5 bases deleted (AAAAG; older notation c.7728_7732delAAAAG).
Protein change: p.Lys2577fs; shifts the reading frame from lysine 2577.
Molecular consequence: frameshift variant.
Genome position (GRCh38, 1-based): chr13:32,357,852-32,357,856, AAAAG deleted; deleting any 5 consecutive bases within chr13:32,357,851-32,357,856 gives the same sequence; the c. name uses the placement nearest the transcript's 3' end. VCF-style (leftmost placement, unchanged base first): chr13-32357850-GGAAAA-G. GRCh37 (hg19) VCF-style: chr13-32931987-GGAAAA-G.
Other names: short protein forms K2577fs.
Identifiers: ClinVar variation 1071841 (VCV001071841.7), dbSNP rs2137567117, ClinGen allele CA2499222304.